The following is an entry in ClinVar:

NM_022124.6(CDH23):c.1450-1G>A

Gene: CDH23 (cadherin related 23; plus strand). Cytogenetic location: 10q22.1.
Variant type: single nucleotide variant.
Coding change: c.1450-1G>A on transcript NM_022124.6 (MANE Select); the canonical splice acceptor site of the intron before coding-DNA position 1450, G replaced by A.
Molecular consequence: splice acceptor variant.
Genome position (GRCh38, 1-based): chr10:71,675,111, G>A. VCF-style: chr10-71675111-G-A. GRCh37 (hg19) VCF-style: chr10-73434868-G-A.
Other names: c.1450-1G>A (NM_001171930.2, NM_001171931.2).
Identifiers: ClinVar variation 3641234 (VCV003641234.2).
Genomic context (GRCh38, chr10:71,675,111, plus strand): 5'-CTGTGGACCTGAAGCCTCAGCTGGGCCTGGCAGTAATGACTTCTTGTTCTCGCTGTTGCA[G>A]GCAACTGACAATGATGCAGGCACCTTTGGGGAAGTCAGCTACTTCTTCAGTGATGACCCT-3'

ClinVar aggregate classification (germline): Likely pathogenic (1 of 4 stars; one submission).

gnomAD v4.1: 13 of 1,613,826 alleles (0.00081%); highest among the groups gnomAD compares: Non-Finnish European, 0.0011%; no homozygotes.

Submission:

Labcorp Genetics (formerly Invitae), Labcorp
Classification: Likely pathogenic. Last evaluated: 2024-02-16. Review status: criteria provided, single submitter. Criteria: Invitae Variant Classification Sherloc (09022015). Collection method: clinical testing. Allele origin: germline.
Comment: This sequence change affects an acceptor splice site in intron 14 of the CDH23 gene. It is expected to disrupt RNA splicing. Variants that disrupt the donor or acceptor splice site typically lead to a loss of protein function (PMID: 16199547), and loss-of-function variants in CDH23 are known to be pathogenic (PMID: 11138009, 21940737). This variant is present in population databases (rs747981278, gnomAD 0.0009%). This variant has not been reported in the literature in individuals affected with CDH23-related conditions. Algorithms developed to predict the effect of sequence changes on RNA splicing suggest that this variant may disrupt the consensus splice site. In summary, the currently available evidence indicates that the variant is pathogenic, but additional data are needed to prove that conclusively. Therefore, this variant has been classified as Likely Pathogenic.

Literature cited by the submitters: PubMed 16199547; PubMed 11138009; PubMed 21940737.